The following is an entry in ClinVar:

NM_001386140.1(MTTP):c.383T>C (p.Ile128Thr)

Gene: MTTP (microsomal triglyceride transfer protein; plus strand). Cytogenetic location: 4q23.
Variant type: single nucleotide variant.
Coding change: c.383T>C on transcript NM_001386140.1 (MANE Select); coding-DNA position 383, T replaced by C.
Protein change: p.Ile128Thr; replaces isoleucine 128 with threonine.
Molecular consequence: missense variant.
Genome position (GRCh38, 1-based): chr4:99,583,507, T>C. VCF-style: chr4-99583507-T-C. GRCh37 (hg19) VCF-style: chr4-100504664-T-C.
Other names: c.383T>C, p.Ile128Thr (NM_000253.4); c.134T>C, p.Ile45Thr (NM_001300785.2); short protein forms I128T, I45T.
Identifiers: ClinVar variation 14242 (VCV000014242.27), dbSNP rs3816873, ClinGen allele CA123823.

ClinVar aggregate classification (germline): Benign/Likely benign. Review status: criteria provided, multiple submitters, no conflicts (2 of 4 stars). 11 submissions from 11 submitters: Benign (6); Likely benign (2). 3 of the submissions do not count toward it. Last evaluated 2026-02-04.

Conditions:
Metabolic syndrome X (AOMS1). Also called: Abdominal obesity-metabolic syndrome 1. Identifiers: MedGen C4552048, MONDO:0011565, OMIM 605552.
Abetalipoproteinaemia (ABL). Also called: Abetalipoproteinemia neuropathy; Apolipoprotein B deficiency; Congenital betalipoprotein deficiency syndrome; Abetalipoproteinemia; MTP DEFICIENCY. Identifiers: Orphanet 14, MedGen C0000744, MONDO:0008692, OMIM 200100, HP:0008181.
METABOLIC SYNDROME, PROTECTION AGAINST. Identifiers: MedGen C1970051, OMIM 605552.

Allele frequency attached by ClinVar (database versions not stated): gnomAD 0.26003 and 0.26064; 1000 Genomes Project 30x 0.24781; ExAC 0.25044; gnomAD exomes 0.24822 and 0.25601; 1000 Genomes Project 0.24980; TOPMed 0.26081.
gnomAD v4.1: 414,647 of 1,613,128 alleles (26%); highest among the groups gnomAD compares: Middle Eastern, 35%; 55,034 homozygotes.

Submissions (11):

Labcorp Genetics (formerly Invitae), Labcorp
Classification: Benign. Last evaluated: 2026-02-04. Review status: criteria provided, single submitter. Criteria: Invitae Variant Classification Sherloc (09022015). Collection method: clinical testing. Allele origin: germline.

Mayo Clinic Laboratories, Mayo Clinic
Classification: Benign. Last evaluated: 2023-06-22. Review status: criteria provided, single submitter. Criteria: ACMG Guidelines, 2015. Collection method: clinical testing. Allele origin: germline. Observed: 773 variant alleles.
Comment: BA1

Fulgent Genetics
Classification: Benign for Abetalipoproteinaemia; Metabolic syndrome X. Last evaluated: 2022-03-11. Review status: criteria provided, single submitter. Criteria: ACMG Guidelines, 2015. Collection method: clinical testing. Allele origin: unknown.

Women's Health and Genetics/Laboratory Corporation of America, LabCorp
Classification: Likely benign. Last evaluated: 2020-01-05. Review status: criteria provided, single submitter. Criteria: LabCorp Variant Classification Summary - May 2015. Collection method: clinical testing. Allele origin: germline.

GeneDx
Classification: Benign. Last evaluated: 2018-08-30. Review status: criteria provided, single submitter. Criteria: GeneDx Variant Classification Process June 2021. Collection method: clinical testing. Allele origin: germline. Affected: yes.
Comment: This variant is associated with the following publications: (PMID: 21438662, 16617174, 16721486, 30782561, 33111339)

Illumina Laboratory Services, Illumina
Classification: Benign for Abetalipoproteinaemia. Last evaluated: 2018-03-06. Review status: criteria provided, single submitter. Criteria: ICSL Variant Classification Criteria 13 December 2019. Collection method: clinical testing. Allele origin: germline.
Comment: This variant was observed in the ICSL laboratory as part of a predisposition screen in an ostensibly healthy population. It had not been previously curated by ICSL or reported in the Human Gene Mutation Database (HGMD: prior to June 1st, 2018), and was therefore a candidate for classification through an automated scoring system. Utilizing variant allele frequency, disease prevalence and penetrance estimates, and inheritance mode, an automated score was calculated to assess if this variant is too frequent to cause the disease. Based on the score and internal cut-off values, a variant classified as benign is not then subjected to further curation. The score for this variant resulted in a classification of benign for this disease.

Eurofins Ntd Llc (ga)
Classification: Benign. Last evaluated: 2014-05-09. Review status: criteria provided, single submitter. Criteria: EGL Classification Definitions 2015. Collection method: clinical testing. Allele origin: germline. Observed: 2 variant alleles, 2 heterozygotes.

Breakthrough Genomics
Classification: Likely benign. Review status: criteria provided, single submitter. Criteria: ACMG Guidelines, 2015. Collection method: not provided. Allele origin: germline. Inheritance: Autosomal recessive inheritance. Affected: yes.

Natera, Inc.
Classification: Benign for Abetalipoproteinemia. Last evaluated: 2019-11-19. Review status: no assertion criteria provided. Collection method: clinical testing. Allele origin: germline. Not counted in ClinVar's aggregate classification.

OMIM
Classification: Benign for RECLASSIFIED - MTTP POLYMORPHISM. Last evaluated: 2006-01-01. Review status: no assertion criteria provided. Collection method: literature only. Allele origin: germline. Not counted in ClinVar's aggregate classification.

Genetic Services Laboratory, University of Chicago
Classification: Likely benign for AllHighlyPenetrant. Review status: no assertion criteria provided. Collection method: clinical testing. Allele origin: germline. Not counted in ClinVar's aggregate classification.
Comment: Likely benign based on allele frequency in 1000 Genomes Project or ESP global frequency and its presence in a patient with a rare or unrelated disease phenotype. NOT Sanger confirmed.

Literature cited by the submitters: PubMed 16721486 (cited by OMIM); Hamosh, A. Personal Communication. 2023. Baltimore, Md. (cited by OMIM).